The following is an entry in ClinVar:

NM_001127222.2(CACNA1A):c.2400C>T (p.Asp800=)

Gene: CACNA1A (calcium voltage-gated channel subunit alpha1 A; minus strand). Cytogenetic location: 19p13.13.
Variant type: single nucleotide variant.
Coding change: c.2400C>T on transcript NM_001127222.2 (MANE Select); coding-DNA position 2400, C replaced by T.
Protein change: p.Asp800=; no amino-acid change (aspartic acid 800 retained).
Molecular consequence: synonymous variant.
Genome position (GRCh38, 1-based): chr19:13,299,233, G>A on the plus strand (C>T on the coding strand, the complement: CACNA1A is on the minus strand). VCF-style: chr19-13299233-G-A. GRCh37 (hg19) VCF-style: chr19-13410047-G-A.
Other names: c.2412C>T, p.Asp804= (NM_000068.4, NM_023035.3); c.2403C>T, p.Asp801= (NM_001127221.2, NM_001174080.2).
Identifiers: ClinVar variation 389917 (VCV000389917.9), dbSNP rs376074188, ClinGen allele CA16607736.
Genomic context (GRCh38, chr19:13,299,233, plus strand): 5'-GTCCAAGTGCGTCTTCATGTCTGGCCGCAGGTGCCGCGTGTAGGCAGCCTTCCAGCGCTC[G>A]TCCGGGTCCATTTCGTTATACAGGGCCTCCCGGCTGGCCAGCAAGTTCTGCTTTCGCATC-3'
Protein context (NP_001120694.1, residues 790-810): REALYNEMDP[Asp800=]ERWKAAYTRH

ClinVar aggregate classification (germline): Likely benign. Review status: criteria provided, multiple submitters, no conflicts (2 of 4 stars). 2 submissions from 2 submitters: Likely benign (2). Last evaluated 2025-02-12.

Conditions:
Episodic ataxia type 2 (EA2). Also called: ATAXIA, EPISODIC, WITH NYSTAGMUS; ATAXIA, FAMILIAL PAROXYSMAL; CEREBELLAR ATAXIA, PAROXYSMAL, ACETAZOLAMIDE-RESPONSIVE; CEREBELLOPATHY, HEREDITARY PAROXYSMAL; ACETAZOLAMIDE-RESPONSIVE HEREDITARY PAROXYSMAL CEREBELLAR ATAXIA; EPISODIC ATAXIA, NYSTAGMUS-ASSOCIATED. Identifiers: Orphanet 97, MedGen C1720416, MONDO:0007163, OMIM 108500.
Developmental and epileptic encephalopathy, 42 (DEE42A). Also called: DEVELOPMENTAL AND EPILEPTIC ENCEPHALOPATHY 42A; EPILEPTIC ENCEPHALOPATHY, EARLY INFANTILE, 42A; Epileptic encephalopathy, early infantile, 42. Identifiers: MedGen C4310716, MONDO:0014917, OMIM 617106.

gnomAD v4.1: 4 of 1,610,102 alleles (0.00025%); highest among the groups gnomAD compares: South Asian, 0.0011%; no homozygotes.

Submissions (2):

Labcorp Genetics (formerly Invitae), Labcorp
Classification: Likely benign for Developmental and epileptic encephalopathy, 42; Episodic ataxia type 2. Last evaluated: 2025-02-12. Review status: criteria provided, single submitter. Criteria: Invitae Variant Classification Sherloc (09022015). Collection method: clinical testing. Allele origin: germline.

GeneDx
Classification: Likely benign. Last evaluated: 2016-10-07. Review status: criteria provided, single submitter. Criteria: GeneDx Variant Classification (06012015). Collection method: clinical testing. Allele origin: germline. Affected: yes.
Comment: This variant is considered likely benign or benign based on one or more of the following criteria: it is a conservative change, it occurs at a poorly conserved position in the protein, it is predicted to be benign by multiple in silico algorithms, and/or has population frequency not consistent with disease.